The following is an entry in ClinVar:

NM_031433.4(MFRP):c.313del (p.Leu105fs)

Genes: C1QTNF5 (C1q and TNF related 5; minus strand), MFRP (membrane frizzled-related protein; minus strand). Cytogenetic location: 11q23.3.
Variant type: Deletion.
Coding change: c.313del on transcript NM_031433.4 (MANE Select); coding-DNA position 313, one base deleted (C; older notation c.313delC).
Protein change: p.Leu105fs; shifts the reading frame from leucine 105.
Molecular consequence: frameshift variant. On other transcripts: 5 prime UTR variant (1).
Genome position (GRCh38, 1-based): chr11:119,345,887, G deleted on the plus strand (C on the coding strand, the reverse complement: MFRP is on the minus strand). VCF-style (leftmost placement, unchanged base first): chr11-119345886-AG-A. GRCh37 (hg19) VCF-style: chr11-119216596-AG-A.
Other names: c.-2324del (NM_015645.5); short protein forms L105fs.
Identifiers: ClinVar variation 1070551 (VCV001070551.8), dbSNP rs2135374023, ClinGen allele CA2499220808.

ClinVar aggregate classification (germline): Pathogenic/Likely pathogenic. Review status: criteria provided, multiple submitters, no conflicts (2 of 4 stars). 2 submissions from 2 submitters: Pathogenic (1); Likely pathogenic (1). Last evaluated 2024-04-16.

Conditions:
MFRP-related disorder. Also called: MFRP-related condition; MFRP-related disorders.
Isolated microphthalmia 5. Also called: Posterior Microphthalmia with Retinitis Pigmentosa, Foveoschisis, and Optic Disc Drusen. Identifiers: Orphanet 251279, MedGen C1970236, MONDO:0012605, OMIM 611040.

Submissions (2):

Labcorp Genetics (formerly Invitae), Labcorp
Classification: Pathogenic for Isolated microphthalmia 5. Last evaluated: 2024-04-16. Review status: criteria provided, single submitter. Criteria: Invitae Variant Classification Sherloc (09022015). Collection method: clinical testing. Allele origin: germline.
Comment: This sequence change creates a premature translational stop signal (p.Leu105Cysfs*32) in the MFRP gene. It is expected to result in an absent or disrupted protein product. Loss-of-function variants in MFRP are known to be pathogenic (PMID: 12140190, 15976030, 20361016). This variant is not present in population databases (gnomAD no frequency). This variant has not been reported in the literature in individuals affected with MFRP-related conditions. ClinVar contains an entry for this variant (Variation ID: 1070551). For these reasons, this variant has been classified as Pathogenic.

Blueprint Genetics
Classification: Likely pathogenic for MFRP-related disorders. Last evaluated: 2022-10-11. Review status: criteria provided, single submitter. Criteria: ACMG Guidelines, 2015. Collection method: clinical testing. Allele origin: germline. Affected: yes. Observed: 2 variant alleles.

Literature cited by the submitters: PubMed 12140190 (cited by Labcorp Genetics (formerly Invitae), Labcorp); PubMed 15976030 (cited by Labcorp Genetics (formerly Invitae), Labcorp); PubMed 20361016 (cited by Labcorp Genetics (formerly Invitae), Labcorp).